The following is an entry in ClinVar:

ClinVar aggregate classification (germline): Pathogenic/Likely pathogenic. Review status: criteria provided, multiple submitters, no conflicts (2 of 4 stars). 2 submissions from 2 submitters: Pathogenic (1); Likely pathogenic (1). Last evaluated 2025-05-27.

Conditions:
Meckel-Gruber syndrome. Also called: DYSENCEPHALIA SPLANCHNOCYSTICA; GRUBER SYNDROME; Dysencephalia splachnocystica. Identifiers: Orphanet 564, MedGen C0265215, MONDO:0018921.
Nephronophthisis. Also called: Juvenile Nephronophthisis. Identifiers: Orphanet 655, MedGen C0687120, MONDO:0019005, HP:0000090.
Joubert syndrome. Also called: CEREBELLOPARENCHYMAL DISORDER IV; JOUBERT-BOLTSHAUSER SYNDROME; Familial aplasia of the vermis. Identifiers: Orphanet 475, MedGen C5979921, MONDO:0018772.
Leber congenital amaurosis (LCA). Also called: Leber's amaurosis. Identifiers: Orphanet 65, MedGen C0339527, MeSH D057130, MONDO:0018998.

Submissions (2):

Natera, Inc.
Classification: Likely pathogenic for Leber congenital amaurosis. Last evaluated: 2025-05-27. Review status: criteria provided, single submitter. Criteria: Natera Variant Classification Schema (03/2026). Collection method: clinical testing. Allele origin: germline.
Comment: The c.3593C>A variant in CEP290 is a nonsense variant predicted to introduce a stop codon at amino acid 1198. This variant is expected to result in nonsense mediated decay, truncation, or a dysfunctional protein product. This variant is rare in the general population with a frequency below the threshold expected for the associated phenotype(s). Given the available evidence, this variant is classified as Likely Pathogenic.

Labcorp Genetics (formerly Invitae), Labcorp
Classification: Pathogenic for Joubert syndrome; Meckel-Gruber syndrome; Nephronophthisis. Last evaluated: 2023-11-19. Review status: criteria provided, single submitter. Criteria: Invitae Variant Classification Sherloc (09022015). Collection method: clinical testing. Allele origin: germline.
Comment: This sequence change creates a premature translational stop signal (p.Ser1198*) in the CEP290 gene. It is expected to result in an absent or disrupted protein product. Loss-of-function variants in CEP290 are known to be pathogenic (PMID: 16909394, 17345604, 20690115). This variant is not present in population databases (gnomAD no frequency). This variant has not been reported in the literature in individuals affected with CEP290-related conditions. ClinVar contains an entry for this variant (Variation ID: 842853). For these reasons, this variant has been classified as Pathogenic.

Literature cited by the submitters: PubMed 16909394 (cited by Labcorp Genetics (formerly Invitae), Labcorp); PubMed 17345604 (cited by Labcorp Genetics (formerly Invitae), Labcorp); PubMed 20690115 (cited by Labcorp Genetics (formerly Invitae), Labcorp).

NM_025114.4(CEP290):c.3593C>A (p.Ser1198Ter)

Gene: CEP290 (centrosomal protein 290; minus strand). Cytogenetic location: 12q21.32.
Variant type: single nucleotide variant.
Coding change: c.3593C>A on transcript NM_025114.4 (MANE Select); coding-DNA position 3593, C replaced by A.
Protein change: p.Ser1198Ter; replaces serine 1198 with a stop codon.
Molecular consequence: nonsense.
Genome position (GRCh38, 1-based): chr12:88,089,468, G>T on the plus strand (C>A on the coding strand, the complement: CEP290 is on the minus strand). VCF-style: chr12-88089468-G-T. GRCh37 (hg19) VCF-style: chr12-88483245-G-T.
Other names: short protein forms S1198*.
Identifiers: ClinVar variation 842853 (VCV000842853.9), dbSNP rs372640024, ClinGen allele CA386001282.